The following is an entry in ClinVar:

ClinVar aggregate classification (germline): Uncertain significance (1 of 4 stars; one submission).

Conditions:
Congenital neutropenia-myelofibrosis-nephromegaly syndrome. Also called: Severe congenital neutropenia 5, autosomal recessive. Identifiers: Orphanet 369852, MedGen C3809031, MONDO:0014118, OMIM 615285.

Submission:

Labcorp Genetics (formerly Invitae), Labcorp
Classification: Uncertain significance for Congenital neutropenia-myelofibrosis-nephromegaly syndrome. Last evaluated: 2024-11-19. Review status: criteria provided, single submitter. Criteria: Invitae Variant Classification Sherloc (09022015). Collection method: clinical testing. Allele origin: germline.
Comment: This sequence change replaces valine, which is neutral and non-polar, with methionine, which is neutral and non-polar, at codon 528 of the VPS45 protein (p.Val528Met). This variant is not present in population databases (gnomAD no frequency). This variant has not been reported in the literature in individuals affected with VPS45-related conditions. Invitae Evidence Modeling of protein sequence and biophysical properties (such as structural, functional, and spatial information, amino acid conservation, physicochemical variation, residue mobility, and thermodynamic stability) indicates that this missense variant is not expected to disrupt VPS45 protein function with a negative predictive value of 80%. In summary, the available evidence is currently insufficient to determine the role of this variant in disease. Therefore, it has been classified as a Variant of Uncertain Significance.

NM_007259.5(VPS45):c.1582G>A (p.Val528Met)

Gene: VPS45 (vacuolar protein sorting 45 homolog; plus strand). Cytogenetic location: 1q21.2.
Variant type: single nucleotide variant.
Coding change: c.1582G>A on transcript NM_007259.5 (MANE Select); coding-DNA position 1582, G replaced by A.
Protein change: p.Val528Met; replaces valine 528 with methionine.
Molecular consequence: missense variant. On other transcripts: non-coding transcript variant (1).
Genome position (GRCh38, 1-based): chr1:150,110,584, G>A. VCF-style: chr1-150110584-G-A. GRCh37 (hg19) VCF-style: chr1-150082699-G-A.
Other names: c.1267G>A, p.Val423Met (NM_001279353.2); c.1474G>A, p.Val492Met (NM_001279354.2); short protein forms V528M, V423M, V492M.
Identifiers: ClinVar variation 3665067 (VCV003665067.2).